The following is an entry in ClinVar:

ClinVar aggregate classification (germline): Uncertain significance (1 of 4 stars; one submission).

Conditions:
Hereditary cancer-predisposing syndrome. Also called: Neoplastic Syndromes, Hereditary; Tumor predisposition; Hereditary Cancer Syndrome; Hereditary neoplastic syndrome. Identifiers: Orphanet 140162, MedGen C0027672, MeSH D009386, MONDO:0015356.

Submission:

Ambry Genetics
Classification: Uncertain significance for Hereditary cancer-predisposing syndrome. Last evaluated: 2019-11-11. Review status: criteria provided, single submitter. Criteria: Ambry Variant Classification Scheme 2023. Collection method: clinical testing. Allele origin: germline.
Comment: The p.V530A variant (also known as c.1589T>C), located in coding exon 11 of the BMPR1A gene, results from a T to C substitution at nucleotide position 1589. The valine at codon 530 is replaced by alanine, an amino acid with similar properties. This amino acid position is well conserved in available vertebrate species. In addition, the in silico prediction for this alteration is inconclusive. Since supporting evidence is limited at this time, the clinical significance of this alteration remains unclear.

NM_004329.3(BMPR1A):c.1589T>C (p.Val530Ala)

Gene: BMPR1A (bone morphogenetic protein receptor type 1A; plus strand). Cytogenetic location: 10q23.2.
Variant type: single nucleotide variant.
Coding change: c.1589T>C on transcript NM_004329.3 (MANE Select); coding-DNA position 1589, T replaced by C.
Protein change: p.Val530Ala; replaces valine 530 with alanine.
Molecular consequence: missense variant.
Genome position (GRCh38, 1-based): chr10:86,923,709, T>C. VCF-style: chr10-86923709-T-C. GRCh37 (hg19) VCF-style: chr10-88683466-T-C.
Other names: short protein forms V530A.
Identifiers: ClinVar variation 819554 (VCV000819554.4), dbSNP rs1589293705, ClinGen allele CA377464067.
Genomic context (GRCh38, chr10:86,923,709, plus strand): 5'-CCAGACTCACAGCATTGAGAATTAAGAAGACGCTTGCCAAGATGGTTGAATCCCAAGATG[T>C]AAAAATCTGATGGTTAAACCATCGGAGGAGAAACTCTAGACTGCAAGAACTGTTTTTACC-3'
Protein context (NP_004320.2, residues 520-532): TLAKMVESQD[Val530Ala]KI